The following is an entry in ClinVar:

ClinVar aggregate classification (germline): Pathogenic (1 of 4 stars; one submission).

Submission:

Labcorp Genetics (formerly Invitae), Labcorp
Classification: Pathogenic. Last evaluated: 2023-02-01. Review status: criteria provided, single submitter. Criteria: Invitae Variant Classification Sherloc (09022015). Collection method: clinical testing. Allele origin: germline.
Comment: For these reasons, this variant has been classified as Pathogenic. Algorithms developed to predict the effect of sequence changes on RNA splicing suggest that this variant may disrupt the consensus splice site. This variant has not been reported in the literature in individuals affected with TYRP1-related conditions. This variant is not present in population databases (gnomAD no frequency). This sequence change creates a premature translational stop signal (p.Arg287Leufs*6) in the TYRP1 gene. It is expected to result in an absent or disrupted protein product. Loss-of-function variants in TYRP1 are known to be pathogenic (PMID: 8651291, 9345097).

Literature cited by the submitters: PubMed 8651291; PubMed 9345097.

NM_000550.3(TYRP1):c.860_873del (p.Arg287fs)

Gene: TYRP1 (tyrosinase related protein 1; plus strand). Cytogenetic location: 9p23.
Variant type: Deletion.
Coding change: c.860_873del on transcript NM_000550.3 (MANE Select); coding-DNA positions 860 to 873, 14 bases deleted (GAGTGGTCTGTGAC).
Protein change: p.Arg287fs; shifts the reading frame from arginine 287.
Molecular consequence: frameshift variant.
Genome position (GRCh38, 1-based): chr9:12,698,602-12,698,615, GAGTGGTCTGTGAC deleted; deleting any 14 consecutive bases within chr9:12,698,601-12,698,615 gives the same sequence; the c. name uses the placement nearest the transcript's 3' end. VCF-style (leftmost placement, unchanged base first): chr9-12698600-GCGAGTGGTCTGTGA-G. GRCh37 (hg19) VCF-style: chr9-12698600-GCGAGTGGTCTGTGA-G.
Other names: short protein forms R287fs.
Identifiers: ClinVar variation 2025714 (VCV002025714.4), dbSNP rs753419037, ClinGen allele CA4985347.
Genomic context (GRCh38, chr9:12,698,600, plus strand): 5'-GGGATCCAGAAGCAACTTTGATTCCACTCTAATAAGCCCAAACTCTGTCTTTTCTCAATG[GCGAGTGGTCTGTGA>G]CTCCTTGGAAGATTATGATACCCTGGGAACACTTTGTAACAGTAAGTTCCAAATGATAGC-3'